The following is an entry in ClinVar:

NM_004360.5(CDH1):c.164-8_164-3del

Gene: CDH1 (cadherin 1; plus strand). Cytogenetic location: 16q22.1.
Variant type: Deletion.
Coding change: c.164-8_164-3del on transcript NM_004360.5 (MANE Select); 8 bases into the intron before coding-DNA position 164 through 3 bases into the intron before coding-DNA position 164, 6 bases deleted (CCCTGC; older notation c.164-8_164-3delCCCTGC).
Molecular consequence: intron variant.
Genome position (GRCh38, 1-based): chr16:68,801,662-68,801,667, CCCTGC deleted. VCF-style (leftmost placement, unchanged base first): chr16-68801661-GCCCTGC-G. GRCh37 (hg19) VCF-style: chr16-68835564-GCCCTGC-G.
Other names: c.-1452-8_-1452-3del (NM_001317185.2); c.-1656-8_-1656-3del (NM_001317186.2); c.164-8_164-3del (NM_001317184.2).
Identifiers: ClinVar variation 3061882 (VCV003061882.1), dbSNP rs2543904431, ClinGen allele CA2740093406.

ClinVar aggregate classification (germline): Uncertain significance (1 of 4 stars; one submission).

Conditions:
Hereditary diffuse gastric adenocarcinoma (HDGC). Also called: DIFFUSE GASTRIC AND LOBULAR BREAST CANCER SYNDROME. Identifiers: Orphanet 26106, MedGen C1708349, MONDO:0007648, OMIM 137215.

Submission:

MVZ Medizinische Genetik Mainz
Classification: Uncertain significance for Hereditary diffuse gastric adenocarcinoma. Last evaluated: 2023-07-06. Review status: criteria provided, single submitter. Criteria: UK Practice Guidelines For Variant Classification V4 01 2020. Collection method: clinical testing. Allele origin: germline. Inheritance: Autosomal dominant inheritance. Affected: yes. Observed: 2 variant alleles.
Comment: PM2_MOD, PP3